The following is an entry in ClinVar:

NM_001184.4(ATR):c.5290T>G (p.Ser1764Ala)

Gene: ATR (ATR checkpoint kinase; minus strand). Cytogenetic location: 3q23.
Variant type: single nucleotide variant.
Coding change: c.5290T>G on transcript NM_001184.4 (MANE Select); coding-DNA position 5290, T replaced by G.
Protein change: p.Ser1764Ala; replaces serine 1764 with alanine.
Molecular consequence: missense variant.
Genome position (GRCh38, 1-based): chr3:142,499,717, A>C on the plus strand (T>G on the coding strand, the complement: ATR is on the minus strand). VCF-style: chr3-142499717-A-C. GRCh37 (hg19) VCF-style: chr3-142218559-A-C.
Other names: c.5098T>G, p.Ser1700Ala (NM_001354579.2); short protein forms S1700A, S1764A.
Identifiers: ClinVar variation 1746639 (VCV001746639.2), dbSNP rs2473169982, ClinGen allele CA354817408.

ClinVar aggregate classification (germline): Uncertain significance (1 of 4 stars; one submission).

Conditions:
Inborn genetic diseases. Identifiers: MedGen C0950123, MeSH D030342.

Submission:

Ambry Genetics
Classification: Uncertain significance for Inborn genetic diseases. Last evaluated: 2022-01-27. Review status: criteria provided, single submitter. Criteria: Ambry Variant Classification Scheme 2023. Collection method: clinical testing. Allele origin: germline.
Comment: The p.S1764A variant (also known as c.5290T>G), located in coding exon 31 of the ATR gene, results from a T to G substitution at nucleotide position 5290. The serine at codon 1764 is replaced by alanine, an amino acid with similar properties. This amino acid position is conserved. In addition, this alteration is predicted to be tolerated by in silico analysis. Since supporting evidence is limited at this time, the clinical significance of this alteration remains unclear.